The following is an entry in ClinVar:

NM_000069.3(CACNA1S):c.2001G>A (p.Ala667=)

Gene: CACNA1S (calcium voltage-gated channel subunit alpha1 S; minus strand). Cytogenetic location: 1q32.1.
Variant type: single nucleotide variant.
Coding change: c.2001G>A on transcript NM_000069.3 (MANE Select); coding-DNA position 2001, G replaced by A.
Protein change: p.Ala667=; no amino-acid change (alanine 667 retained).
Molecular consequence: synonymous variant.
Genome position (GRCh38, 1-based): chr1:201,074,568, C>T on the plus strand (G>A on the coding strand, the complement: CACNA1S is on the minus strand). VCF-style: chr1-201074568-C-T. GRCh37 (hg19) VCF-style: chr1-201043696-C-T.
Identifiers: ClinVar variation 700133 (VCV000700133.46), dbSNP rs61734612, ClinGen allele CA078746.

ClinVar aggregate classification (germline): Likely benign. Review status: criteria provided, multiple submitters, no conflicts (2 of 4 stars). 9 submissions from 6 submitters: Likely benign (8). 1 of the submissions does not count toward it. Last evaluated 2025-12-19.

Conditions:
CACNA1S-related disorder. Also called: CACNA1S-related condition.
Hypokalemic periodic paralysis, type 1. Also called: Hypokalemic Periodic Paralysis Type 1 (AD); HypoPP. Identifiers: Orphanet 681, MedGen C3714580, MONDO:0042979, OMIM 170400.
Malignant hyperthermia, susceptibility to, 5 (MHS5). Also called: CACNA1S-Related Malignant Hyperthermia Susceptibility. Identifiers: Orphanet 423, MedGen C1866077, MONDO:0011163, OMIM 601887.
Thyrotoxic periodic paralysis, susceptibility to, 1 (TTPP1). Identifiers: Orphanet 79102, MedGen C2749982, MONDO:0008570, OMIM 188580.
Congenital myopathy 18. Also called: Myopathy, congenital, due to dihydropyridine receptor defect; DIHYDROPYRIDINE RECEPTOR CONGENITAL MYOPATHY; DHPR CONGENITAL MYOPATHY. Identifiers: MedGen C5830283, MONDO:0859514, OMIM 620246.

Allele frequency attached by ClinVar (database versions not stated): gnomAD 0.00005 and 0.00006; gnomAD exomes 0.00006 and 0.00009; TOPMed 0.00006; ExAC 0.00007.
gnomAD v4.1: 143 of 1,613,910 alleles (0.0089%); highest among the groups gnomAD compares: Middle Eastern, 0.016%; no homozygotes.

Submissions (9):

Labcorp Genetics (formerly Invitae), Labcorp
Classification: Likely benign for Hypokalemic periodic paralysis, type 1; Malignant hyperthermia, susceptibility to, 5. Last evaluated: 2025-12-19. Review status: criteria provided, single submitter. Criteria: Invitae Variant Classification Sherloc (09022015). Collection method: clinical testing. Allele origin: germline.

Blueprint Genetics
Classification: Likely benign. Last evaluated: 2024-10-02. Review status: criteria provided, single submitter. Criteria: ACMG Guidelines, 2015. Collection method: clinical testing. Allele origin: germline.

Genome-Nilou Lab
Classification: Likely benign for Malignant hyperthermia, susceptibility to, 5. Last evaluated: 2023-04-11. Review status: criteria provided, single submitter. Criteria: ACMG Guidelines, 2015. Collection method: clinical testing. Allele origin: germline. Affected: no.

Genome-Nilou Lab
Classification: Likely benign for Thyrotoxic periodic paralysis, susceptibility to, 1. Last evaluated: 2023-04-11. Review status: criteria provided, single submitter. Criteria: ACMG Guidelines, 2015. Collection method: clinical testing. Allele origin: germline. Affected: no.

Genome-Nilou Lab
Classification: Likely benign for Congenital myopathy 18. Last evaluated: 2023-04-11. Review status: criteria provided, single submitter. Criteria: ACMG Guidelines, 2015. Collection method: clinical testing. Allele origin: germline. Affected: no.

Genome-Nilou Lab
Classification: Likely benign for Hypokalemic periodic paralysis, type 1. Last evaluated: 2023-04-11. Review status: criteria provided, single submitter. Criteria: ACMG Guidelines, 2015. Collection method: clinical testing. Allele origin: germline. Affected: no.

Color Diagnostics, LLC DBA Color Health
Classification: Likely benign for Malignant hyperthermia, susceptibility to, 5. Last evaluated: 2022-11-06. Review status: criteria provided, single submitter. Criteria: ACMG Guidelines, 2015. Collection method: clinical testing. Allele origin: germline.

CeGaT Center for Human Genetics Tuebingen
Classification: Likely benign. Last evaluated: 2022-06-01. Review status: criteria provided, single submitter. Criteria: CeGaT Center For Human Genetics Tuebingen Variant Classification Criteria Version 2. Collection method: clinical testing. Allele origin: germline. Affected: yes. Observed: 3 variant alleles.
Comment: CACNA1S: BP4, BP7

PreventionGenetics, part of Exact Sciences
Classification: Likely benign for CACNA1S-related condition. Last evaluated: 2023-04-26. Review status: no assertion criteria provided. Collection method: clinical testing. Allele origin: germline. Not counted in ClinVar's aggregate classification.
Comment: This variant is classified as likely benign based on ACMG/AMP sequence variant interpretation guidelines (Richards et al. 2015 PMID: 25741868, with internal and published modifications).